The following is an entry in ClinVar:

ClinVar aggregate classification (germline): Uncertain significance. Review status: criteria provided, multiple submitters, no conflicts (2 of 4 stars). 5 submissions from 4 submitters: Uncertain significance (5). Last evaluated 2026-01-06.

Conditions:
Facial dysmorphism-immunodeficiency-livedo-short stature syndrome. Also called: Facial dysmorphism, immunodeficiency, livedo, and short stature; FILS syndrome. Identifiers: Orphanet 352712, MedGen C3554576, MONDO:0014058, OMIM 615139.
Colorectal cancer, susceptibility to, 12 (CRCS12). Also called: COLORECTAL CANCER, SUSCEPTIBILITY TO, ON CHROMOSOME 12q24. Identifiers: Orphanet 220460, MedGen C3554460, MONDO:0014038, OMIM 615083.
Familial colorectal cancer. Identifiers: MedGen CN280943, MONDO:0023113. Disease mechanism: loss of function.
Intrauterine growth retardation, metaphyseal dysplasia, adrenal hypoplasia congenita, genital anomalies, and immunodeficiency. Also called: IMAGEI SYNDROME. Identifiers: MedGen C5193036, MONDO:0032684, OMIM 618336.
Hereditary cancer-predisposing syndrome. Also called: Hereditary neoplastic syndrome; Neoplastic Syndromes, Hereditary; Tumor predisposition; Hereditary Cancer Syndrome. Identifiers: Orphanet 140162, MedGen C0027672, MeSH D009386, MONDO:0015356.

Allele frequency attached by ClinVar (database versions not stated): ExAC 0.00001; gnomAD 0.00001; gnomAD exomes 0.00001; TOPMed 0.00002; ESP Exome Variant Server 0.00008.
gnomAD v4.1: 26 of 1,613,458 alleles (0.0016%); highest among the groups gnomAD compares: Non-Finnish European, 0.0022%; no homozygotes.

Submissions (5):

Labcorp Genetics (formerly Invitae), Labcorp
Classification: Uncertain significance. Last evaluated: 2026-01-06. Review status: criteria provided, single submitter. Criteria: Invitae Variant Classification Sherloc (09022015). Collection method: clinical testing. Allele origin: germline.
Comment: This sequence change replaces serine, which is neutral and polar, with cysteine, which is neutral and slightly polar, at codon 1391 of the POLE protein (p.Ser1391Cys). This variant is present in population databases (rs149145495, gnomAD 0.0009%). This variant has not been reported in the literature in individuals affected with POLE-related conditions. ClinVar contains an entry for this variant (Variation ID: 246358). Invitae Evidence Modeling of protein sequence and biophysical properties (such as structural, functional, and spatial information, amino acid conservation, physicochemical variation, residue mobility, and thermodynamic stability) indicates that this missense variant is not expected to disrupt POLE protein function with a negative predictive value of 80%. In summary, the available evidence is currently insufficient to determine the role of this variant in disease. Therefore, it has been classified as a Variant of Uncertain Significance.

Ambry Genetics
Classification: Uncertain significance for Hereditary cancer-predisposing syndrome. Last evaluated: 2024-12-12. Review status: criteria provided, single submitter. Criteria: Ambry Variant Classification Scheme 2023. Collection method: clinical testing. Allele origin: germline.
Comment: The p.S1391C variant (also known as c.4172C>G), located in coding exon 33 of the POLE gene, results from a C to G substitution at nucleotide position 4172. The serine at codon 1391 is replaced by cysteine, an amino acid with dissimilar properties. This amino acid position is well conserved in available vertebrate species. In addition, the in silico prediction for this alteration is inconclusive. Based on the available evidence, the clinical significance of this variant remains unclear.

GeneDx
Classification: Uncertain significance. Last evaluated: 2024-09-23. Review status: criteria provided, single submitter. Criteria: GeneDx Variant Classification Process June 2021. Collection method: clinical testing. Allele origin: germline. Affected: yes.
Comment: Not observed at significant frequency in large population cohorts (gnomAD); In silico analysis supports that this missense variant has a deleterious effect on protein structure/function; Has not been previously published as pathogenic or benign to our knowledge

Fulgent Genetics
Classification: Uncertain significance for Colorectal cancer, susceptibility to, 12; Facial dysmorphism-immunodeficiency-livedo-short stature syndrome; Intrauterine growth retardation, metaphyseal dysplasia, adrenal hypoplasia congenita, genital anomalies, and immunodeficiency. Last evaluated: 2024-03-29. Review status: criteria provided, single submitter. Criteria: ACMG Guidelines, 2015. Collection method: clinical testing. Allele origin: germline.

Fulgent Genetics
Classification: Uncertain significance for Colorectal cancer, susceptibility to, 12; Facial dysmorphism-immunodeficiency-livedo-short stature syndrome. Last evaluated: 2018-10-31. Review status: criteria provided, single submitter. Criteria: ACMG Guidelines, 2015. Collection method: clinical testing. Allele origin: unknown.

NM_006231.4(POLE):c.4172C>G (p.Ser1391Cys)

Gene: POLE (DNA polymerase epsilon, catalytic subunit; minus strand). Cytogenetic location: 12q24.33.
Variant type: single nucleotide variant.
Coding change: c.4172C>G on transcript NM_006231.4 (MANE Select); coding-DNA position 4172, C replaced by G.
Protein change: p.Ser1391Cys; replaces serine 1391 with cysteine.
Molecular consequence: missense variant.
Genome position (GRCh38, 1-based): chr12:132,643,955, G>C on the plus strand (C>G on the coding strand, the complement: POLE is on the minus strand). VCF-style: chr12-132643955-G-C. GRCh37 (hg19) VCF-style: chr12-133220541-G-C.
Other names: short protein forms S1391C.
Identifiers: ClinVar variation 246358 (VCV000246358.22), dbSNP rs149145495, ClinGen allele CA6892956.